The following is an entry in ClinVar:

NM_001308093.3(GATA4):c.782G>A (p.Arg261Gln)

Gene: GATA4 (GATA binding protein 4). Cytogenetic location: 8p23.1.
Variant type: single nucleotide variant.
Coding change: c.782G>A on transcript NM_001308093.3 (MANE Select); coding-DNA position 782, G replaced by A.
Protein change: p.Arg261Gln; replaces arginine 261 with glutamine.
Molecular consequence: missense variant.
Genome position (GRCh38, 1-based): chr8:11,749,081, G>A. VCF-style: chr8-11749081-G-A. GRCh37 (hg19) VCF-style: chr8-11606590-G-A.
Other names: c.161G>A, p.Arg54Gln (NM_001308094.2, NM_001374273.1, NM_001374274.1); c.779G>A, p.Arg260Gln (NM_002052.5); short protein forms R260Q, R261Q, R54Q.
Identifiers: ClinVar variation 1017884 (VCV001017884.11), dbSNP rs1245034279, ClinGen allele CA370312882.

ClinVar aggregate classification (germline): Uncertain significance. Review status: criteria provided, multiple submitters, no conflicts (2 of 4 stars). 2 submissions from 2 submitters: Uncertain significance (2). Last evaluated 2025-03-25.

Conditions:
Atrioventricular septal defect 4 (AVSD4). Identifiers: MedGen C3280781, MONDO:0013747, OMIM 614430.

Allele frequency attached by ClinVar (database versions not stated): gnomAD exomes below 0.00001 and 0.00001; gnomAD 0.00001.
gnomAD v4.1: 7 of 1,614,002 alleles (0.00043%); highest among the groups gnomAD compares: African/African-American, 0.0027%; no homozygotes.

Submissions (2):

GeneDx
Classification: Uncertain significance. Last evaluated: 2025-03-25. Review status: criteria provided, single submitter. Criteria: GeneDx Variant Classification Process June 2021. Collection method: clinical testing. Allele origin: germline. Affected: yes.
Comment: Identified in heart tissue from a deceased patient with a ventricular septal defect and a history of Down syndrome; however, additional GATA4 variants were identified and no segregation studies were performed (PMID: 17592645, 15863664); Not observed at significant frequency in large population cohorts (gnomAD); In silico analysis supports that this missense variant has a deleterious effect on protein structure/function; This variant is associated with the following publications: (PMID: 15863664, 26997702, 17592645, 35047139)

Labcorp Genetics (formerly Invitae), Labcorp
Classification: Uncertain significance for Atrioventricular septal defect 4. Last evaluated: 2021-04-05. Review status: criteria provided, single submitter. Criteria: Invitae Variant Classification Sherloc (09022015). Collection method: clinical testing. Allele origin: germline.
Comment: This variant has been observed in individual(s) with congenital heart defects (PMID: 15863664, 17592645). This variant is not present in population databases (ExAC no frequency). Algorithms developed to predict the effect of missense changes on protein structure and function are either unavailable or do not agree on the potential impact of this missense change (SIFT: "Tolerated"; PolyPhen-2: "Possibly Damaging"; Align-GVGD: "Class C0"). In summary, the available evidence is currently insufficient to determine the role of this variant in disease. Therefore, it has been classified as a Variant of Uncertain Significance. This sequence change replaces arginine with glutamine at codon 260 of the GATA4 protein (p.Arg260Gln). The arginine residue is moderately conserved and there is a small physicochemical difference between arginine and glutamine.

Literature cited by the submitters: PubMed 15863664 (cited by Labcorp Genetics (formerly Invitae), Labcorp); PubMed 17592645 (cited by Labcorp Genetics (formerly Invitae), Labcorp).